The following is an entry in ClinVar:

NM_002860.4(ALDH18A1):c.1729A>G (p.Met577Val)

Gene: ALDH18A1 (aldehyde dehydrogenase 18 family member A1; minus strand). Cytogenetic location: 10q24.1.
Variant type: single nucleotide variant.
Coding change: c.1729A>G on transcript NM_002860.4 (MANE Select); coding-DNA position 1729, A replaced by G.
Protein change: p.Met577Val; replaces methionine 577 with valine.
Molecular consequence: missense variant.
Genome position (GRCh38, 1-based): chr10:95,614,038, T>C on the plus strand (A>G on the coding strand, the complement: ALDH18A1 is on the minus strand). VCF-style: chr10-95614038-T-C. GRCh37 (hg19) VCF-style: chr10-97373795-T-C.
Other names: c.1723A>G, p.Met575Val (NM_001017423.2, NM_001323415.2); c.1396A>G, p.Met466Val (NM_001323412.2, NM_001323416.2); c.1729A>G, p.Met577Val (NM_001323413.2, NM_001323414.2); c.1624A>G, p.Met542Val (NM_001323417.2); c.1390A>G, p.Met464Val (NM_001323418.2); c.1093A>G, p.Met365Val (NM_001323419.2); short protein forms M365V, M464V, M577V, M542V, M575V, M466V.
Identifiers: ClinVar variation 2923961 (VCV002923961.3), dbSNP rs2097840411, ClinGen allele CA377700649.

ClinVar aggregate classification (germline): Uncertain significance (1 of 4 stars; one submission).

Conditions:
Cutis laxa, autosomal dominant 3 (ADCL3). Identifiers: Orphanet 90348, MedGen C4225268, MONDO:0014706, OMIM 616603.
Autosomal dominant spastic paraplegia type 9. Identifiers: MedGen C1832669, MONDO:0015091.
de Barsy syndrome. Also called: Cutis laxa-corneal clouding-oligophrenia syndrome. Identifiers: Orphanet 2962, MedGen C0268354, MONDO:0017569.

Allele frequency attached by ClinVar (database versions not stated): gnomAD exomes below 0.00001.
gnomAD v4.1: 1 of 1,614,194 alleles (0.000062%); highest among the groups gnomAD compares: Non-Finnish European, 0.000085%; no homozygotes.

Submission:

Labcorp Genetics (formerly Invitae), Labcorp
Classification: Uncertain significance for Autosomal dominant spastic paraplegia type 9; de Barsy syndrome; Cutis laxa, autosomal dominant 3. Last evaluated: 2023-02-01. Review status: criteria provided, single submitter. Criteria: Invitae Variant Classification Sherloc (09022015). Collection method: clinical testing. Allele origin: germline.
Comment: This sequence change replaces methionine, which is neutral and non-polar, with valine, which is neutral and non-polar, at codon 577 of the ALDH18A1 protein (p.Met577Val). This variant is not present in population databases (gnomAD no frequency). This variant has not been reported in the literature in individuals affected with ALDH18A1-related conditions. Advanced modeling of protein sequence and biophysical properties (such as structural, functional, and spatial information, amino acid conservation, physicochemical variation, residue mobility, and thermodynamic stability) has been performed at Invitae for this missense variant, however the output from this modeling did not meet the statistical confidence thresholds required to predict the impact of this variant on ALDH18A1 protein function. In summary, the available evidence is currently insufficient to determine the role of this variant in disease. Therefore, it has been classified as a Variant of Uncertain Significance.